The following is an entry in ClinVar:

NM_000133.4(F9):c.880C>T (p.Arg294Ter)

Gene: F9 (coagulation factor IX; plus strand). Cytogenetic location: Xq27.1.
Variant type: single nucleotide variant.
Coding change: c.880C>T on transcript NM_000133.4 (MANE Select); coding-DNA position 880, C replaced by T.
Protein change: p.Arg294Ter; replaces arginine 294 with a stop codon.
Molecular consequence: nonsense.
Genome position (GRCh38, 1-based): chrX:139,561,565, C>T. VCF-style: chrX-139561565-C-T. GRCh37 (hg19) VCF-style: chrX-138643724-C-T.
Other names: F9, ARG248TER; R248*; NM_000133.3(F9):c.880C>T; p.Arg294Ter; p.Arg294*; c.766C>T, p.Arg256Ter (NM_001313913.2); short protein forms R294*, R256*.
Identifiers: ClinVar variation 10587 (VCV000010587.24), dbSNP rs137852248, ClinGen allele CA255344.
Genomic context (GRCh38, chrX:139,561,565, plus strand): 5'-TGAAATTTATTTTTAATAGGTGAACATAATATTGAGGAGACAGAACATACAGAGCAAAAG[C>T]GAAATGTGATTCGAATTATTCCTCACCACAACTACAATGCAGCTATTAATAAGTACAACC-3'

ClinVar aggregate classification (germline): Pathogenic. Review status: reviewed by expert panel (3 of 4 stars). 8 submissions from 8 submitters: Pathogenic (1). 7 of the submissions do not count toward it. Last evaluated 2026-01-26.

Conditions:
Hereditary factor IX deficiency disease (HEMB). Also called: F9 DEFICIENCY; FACTOR IX DEFICIENCY; PLASMA THROMBOPLASTIN COMPONENT DEFICIENCY; Christmas Disease; Hemophilia B. Identifiers: Orphanet 98879, MedGen C0008533, MeSH D002836, MONDO:0010604, OMIM 306900.
Thrombophilia, X-linked, due to factor 9 defect. Identifiers: MedGen C2749016, MONDO:0010432, OMIM 300807.

Submissions (8):

ClinGen Coagulation Factor Deficiency Variant Curation Expert Panel, Clingen
Classification: Pathogenic for Hereditary factor IX deficiency disease. Last evaluated: 2026-01-26. Review status: reviewed by expert panel. Criteria: ClinGen CoagFactor ACMG Specifications F9 V1.0.0. Collection method: curation. Allele origin: germline. Inheritance: X-linked inheritance.
Comment: The F9 c.880C>T (Arg294Ter) variant occurs in exon 8/8 of the F9 gene and NMD is not predicted. However, PVS1 is applied based on truncation of the peptidase S1 domain. This variant is completely absent from gnomAD v2.1.1 and v3.1.1, meeting PM2_Supporting criteria. Over 90 patients have been reported in the literature and the EAHAD database with hemophilia B in the moderate-severe range and history of inhibitors to factor replacement products are reported, meeting PP4_Moderate and PS4_Very strong (selected PMIDs: 29296726, 8217825, 8314564). In summary, this variant meets criteria to be classified as pathogenic. ACMG/AMP criteria applied, as specified by the Coagulation Factor Deficiency Variant Curation Expert Panel for F9: PVS1, PS4_VeryStrong, PP4_Moderate, PM2_Supporting.

GeneDx
Classification: Pathogenic. Last evaluated: 2024-10-03. Review status: criteria provided, single submitter. Criteria: GeneDx Variant Classification Process June 2021. Collection method: clinical testing. Allele origin: germline. Affected: yes. Not counted in ClinVar's aggregate classification.
Comment: Nonsense variant predicted to result in protein truncation, as the last 168 amino acids are lost, and other loss-of-function variants have been reported downstream in HGMD; Not observed at significant frequency in large population cohorts (gnomAD); This variant is associated with the following publications: (PMID: 31589614, 28270892, 27109384, 38196513, 33760382, 2270538, 31064749, 35842956, 26612714, 22618954, 8314564, 8217825, 34590426, 36347023, 22544209, 10595634, 24375831, 33999344)

Mayo Clinic Laboratories, Mayo Clinic
Classification: Pathogenic. Last evaluated: 2024-03-21. Review status: criteria provided, single submitter. Criteria: ACMG Guidelines, 2015. Collection method: clinical testing. Allele origin: germline. Observed: 1 variant allele. Not counted in ClinVar's aggregate classification.
Comment: PP5, PM2_moderate, PS4_moderate, PVS1

3billion
Classification: Pathogenic for Hereditary factor IX deficiency disease. Last evaluated: 2023-12-27. Review status: criteria provided, single submitter. Criteria: ACMG Guidelines, 2015. Collection method: clinical testing. Allele origin: germline. Affected: yes. Not counted in ClinVar's aggregate classification.
Comment: The variant is not observed in the gnomAD v2.1.1 dataset. Predicted Consequence/Location: Stop-gained (nonsense): predicted to result in a loss or disruption of normal protein function through protein truncation. Multiple pathogenic variants are reported in the predicted truncated region. The variant has been observed in multiple (>3) similarly affected unrelated individuals (PMID: 22544209, 26612714). The variant has been reported at least twice as pathogenic without evidence for the classification (ClinVar ID: VCV000010587 /PMID: 2270538). Therefore, this variant is classified as Pathogenic according to the recommendation of ACMG/AMP guideline.

Labcorp Genetics (formerly Invitae), Labcorp
Classification: Pathogenic for Thrombophilia, X-linked, due to factor 9 defect; Hereditary factor IX deficiency disease. Last evaluated: 2023-07-25. Review status: criteria provided, single submitter. Criteria: Invitae Variant Classification Sherloc (09022015). Collection method: clinical testing. Allele origin: germline. Not counted in ClinVar's aggregate classification.
Comment: This sequence change creates a premature translational stop signal (p.Arg294*) in the F9 gene. While this is not anticipated to result in nonsense mediated decay, it is expected to disrupt the last 168 amino acid(s) of the F9 protein. This variant is not present in population databases (gnomAD no frequency). This premature translational stop signal has been observed in individuals with haemophilia (PMID: 2270538, 8217825, 8314564, 10595634, 22544209, 23093250, 24375831, 26612714). This variant is also known as p.Arg248*. ClinVar contains an entry for this variant (Variation ID: 10587). For these reasons, this variant has been classified as Pathogenic.

Division of Human Genetics, National Health Laboratory Service/University of the Witwatersrand
Classification: Pathogenic for Hereditary factor IX deficiency disease. Last evaluated: 2023-07-01. Review status: criteria provided, single submitter. Criteria: ACMG Guidelines, 2015. Collection method: research. Allele origin: germline. Affected: yes. Not counted in ClinVar's aggregate classification.

ARUP Laboratories, Molecular Genetics and Genomics, ARUP Laboratories
Classification: Pathogenic. Last evaluated: 2019-06-13. Review status: criteria provided, single submitter. Criteria: ARUP Molecular Germline Variant Investigation Process. Collection method: clinical testing. Allele origin: germline. Not counted in ClinVar's aggregate classification.
Comment: The F9 c.880C>T; p.Arg294Ter variant (rs137852248), also known as p.Arg248Ter in traditional nomenclature, is reported in the literature in multiple individuals affected with moderate to severe hemophilia B (Factor IX database and references therein). This variant is reported as pathogenic in ClinVar (Variation ID: 10587), and is absent from general population databases (1000 Genomes Project, Exome Variant Server, and Genome Aggregation Database), indicating it is not a common polymorphism. This variant results in a premature termination codon in the last exon of the F9 gene. While this may not lead to nonsense-mediated decay, it is expected to create a truncated protein, and other downstream nonsense variants have been reported in individuals with hemophilia and are considered pathogenic (Factor IX database and references therein). Based on available information, the p.Arg294Ter variant is considered to be pathogenic. References: Factor IX database

OMIM
Classification: Pathogenic for HEMOPHILIA B. Last evaluated: 1989-04-01. Review status: no assertion criteria provided. Collection method: literature only. Allele origin: germline. Not counted in ClinVar's aggregate classification.

Literature cited by the submitters: PubMed 2270538 (cited by 3 submitters); PubMed 23617593 (cited by Mayo Clinic Laboratories, Mayo Clinic); PubMed 29296726 (cited by Mayo Clinic Laboratories, Mayo Clinic); PubMed 33999344 (cited by Mayo Clinic Laboratories, Mayo Clinic); PubMed 34590426 (cited by Mayo Clinic Laboratories, Mayo Clinic); PubMed 35842956 (cited by Mayo Clinic Laboratories, Mayo Clinic); PubMed 36347023 (cited by Mayo Clinic Laboratories, Mayo Clinic); PubMed 22544209 (cited by 3billion and Labcorp Genetics (formerly Invitae), Labcorp); PubMed 26612714 (cited by 3billion and Labcorp Genetics (formerly Invitae), Labcorp); PubMed 8217825 (cited by Labcorp Genetics (formerly Invitae), Labcorp); PubMed 8314564 (cited by Labcorp Genetics (formerly Invitae), Labcorp); PubMed 10595634 (cited by Labcorp Genetics (formerly Invitae), Labcorp); PubMed 23093250 (cited by Labcorp Genetics (formerly Invitae), Labcorp); PubMed 24375831 (cited by Labcorp Genetics (formerly Invitae), Labcorp); PubMed 2743975 (cited by OMIM).